The following is an entry in ClinVar:

ClinVar aggregate classification (germline): Likely pathogenic (1 of 4 stars; one submission).

Conditions:
Mucopolysaccharidosis type 6 (MPS6). Also called: MPS VI; N-ACETYLGALACTOSAMINE-4-SULFATASE DEFICIENCY; ARSB DEFICIENCY; ARYLSULFATASE B DEFICIENCY; MPS 6; Maroteaux Lamy syndrome. Identifiers: Orphanet 583, MedGen C0026709, MONDO:0009661, OMIM 253200.

gnomAD v4.1: 3 of 1,614,052 alleles (0.00019%); highest among the groups gnomAD compares: Non-Finnish European, 0.00025%; no homozygotes.

Submission:

Labcorp Genetics (formerly Invitae), Labcorp
Classification: Likely pathogenic for Mucopolysaccharidosis type 6. Last evaluated: 2023-08-29. Review status: criteria provided, single submitter. Criteria: Invitae Variant Classification Sherloc (09022015). Collection method: clinical testing. Allele origin: germline.
Comment: In summary, the currently available evidence indicates that the variant is pathogenic, but additional data are needed to prove that conclusively. Therefore, this variant has been classified as Likely Pathogenic. This variant disrupts the p.Gly108 amino acid residue in ARSB. Other variant(s) that disrupt this residue have been determined to be pathogenic (PMID: 17161971, 30809705). This suggests that this residue is clinically significant, and that variants that disrupt this residue are likely to be disease-causing. Advanced modeling of protein sequence and biophysical properties (such as structural, functional, and spatial information, amino acid conservation, physicochemical variation, residue mobility, and thermodynamic stability) performed at Invitae indicates that this missense variant is expected to disrupt ARSB protein function. This variant has not been reported in the literature in individuals affected with ARSB-related conditions. This variant is not present in population databases (gnomAD no frequency). This sequence change replaces glycine, which is neutral and non-polar, with aspartic acid, which is acidic and polar, at codon 108 of the ARSB protein (p.Gly108Asp).

Literature cited by the submitters: PubMed 17161971; PubMed 30809705.

NM_000046.5(ARSB):c.323G>A (p.Gly108Asp)

Gene: ARSB (arylsulfatase B; minus strand). Cytogenetic location: 5q14.1.
Variant type: single nucleotide variant.
Coding change: c.323G>A on transcript NM_000046.5 (MANE Select); coding-DNA position 323, G replaced by A.
Protein change: p.Gly108Asp; replaces glycine 108 with aspartic acid.
Molecular consequence: missense variant.
Genome position (GRCh38, 1-based): chr5:78,969,182, C>T on the plus strand (G>A on the coding strand, the complement: ARSB is on the minus strand). VCF-style: chr5-78969182-C-T. GRCh37 (hg19) VCF-style: chr5-78265005-C-T.
Other names: c.323G>A, p.Gly108Asp (NM_198709.3); short protein forms G108D.
Identifiers: ClinVar variation 3004233 (VCV003004233.3), dbSNP rs768802200, ClinGen allele CA360194510.